The following is an entry in ClinVar:

ClinVar aggregate classification (germline): Conflicting classifications of pathogenicity. Review status: criteria provided, conflicting classifications (1 of 4 stars). 4 submissions from 4 submitters: Uncertain significance (2); Benign (1); Likely benign (1). Last evaluated 2025-12-10.

Conditions:
Camptomelic dysplasia (CMPD). Also called: CMPD1/SRA1; Campomelic Dysplasia. Identifiers: Orphanet 140, MedGen C1861922, MONDO:0007251, OMIM 114290.

Allele frequency attached by ClinVar (database versions not stated): ExAC 0.00002; gnomAD exomes 0.00003; TOPMed 0.00006; 1000 Genomes Project 0.00040; 1000 Genomes Project 30x 0.00047.

Submissions (4):

Labcorp Genetics (formerly Invitae), Labcorp
Classification: Benign for Camptomelic dysplasia. Last evaluated: 2025-12-10. Review status: criteria provided, single submitter. Criteria: Invitae Variant Classification Sherloc (09022015). Collection method: clinical testing. Allele origin: germline.

GeneDx
Classification: Uncertain significance. Last evaluated: 2025-01-06. Review status: criteria provided, single submitter. Criteria: GeneDx Variant Classification Process June 2021. Collection method: clinical testing. Allele origin: germline. Affected: yes.
Comment: Observed in a patient with features of differences of sex development in published literature (PMID: 36631813); In silico analysis supports that this missense variant has a deleterious effect on protein structure/function; This variant is associated with the following publications: (PMID: 36631813, 30409984)

Blueprint Genetics
Classification: Likely benign. Last evaluated: 2024-09-27. Review status: criteria provided, single submitter. Criteria: ACMG Guidelines, 2015. Collection method: clinical testing. Allele origin: germline.

Breakthrough Genomics
Classification: Uncertain significance. Review status: criteria provided, single submitter. Criteria: ACMG Guidelines, 2015. Collection method: not provided. Allele origin: germline. Inheritance: Autosomal dominant inheritance. Affected: yes.

NM_000346.4(SOX9):c.920C>G (p.Pro307Arg)

Gene: SOX9 (SRY-box transcription factor 9; plus strand). Cytogenetic location: 17q24.3.
Variant type: single nucleotide variant.
Coding change: c.920C>G on transcript NM_000346.4 (MANE Select); coding-DNA position 920, C replaced by G.
Protein change: p.Pro307Arg; replaces proline 307 with arginine.
Molecular consequence: missense variant.
Genome position (GRCh38, 1-based): chr17:72,123,777, C>G. VCF-style: chr17-72123777-C-G. GRCh37 (hg19) VCF-style: chr17-70119918-C-G.
Other names: short protein forms P307R.
Identifiers: ClinVar variation 1375451 (VCV001375451.9), dbSNP rs202028563, ClinGen allele CA8739049.